The following is an entry in ClinVar:

ClinVar aggregate classification (germline): Uncertain significance. Review status: criteria provided, multiple submitters, no conflicts (2 of 4 stars). 4 submissions from 4 submitters: Uncertain significance (4). Last evaluated 2026-07-29.

Conditions:
RAB7A-related disorder. Also called: RAB7A-related condition.
Inborn genetic diseases. Identifiers: MedGen C0950123, MeSH D030342.
Charcot-Marie-Tooth disease type 2B (CMT2B). Also called: CHARCOT-MARIE-TOOTH DISEASE, AUTOSOMAL DOMINANT, TYPE 2B; HEREDITARY MOTOR AND SENSORY NEUROPATHY IIB; Charcot-Marie-Tooth Neuropathy Type 2B; CHARCOT-MARIE-TOOTH DISEASE, AXONAL, TYPE 2B. Identifiers: Orphanet 99936, MedGen C1833219, MONDO:0010949, OMIM 600882.

Allele frequency attached by ClinVar (database versions not stated): ExAC 0.00001; gnomAD exomes 0.00001 and 0.00004; gnomAD 0.00002 and 0.00003; TOPMed 0.00003.
gnomAD v4.1: 62 of 1,613,972 alleles (0.0038%); highest among the groups gnomAD compares: Non-Finnish European, 0.0052%; no homozygotes.

Submissions (4):

PreventionGenetics, part of Exact Sciences
Classification: Uncertain significance for RAB7A-related condition. Last evaluated: 2026-07-29. Review status: criteria provided, single submitter. Criteria: ACMG Guidelines, 2015. Collection method: clinical testing. Allele origin: germline.
Comment: The RAB7A c.167T>C variant is predicted to result in the amino acid substitution p.Leu56Pro. To our knowledge, this variant has not been reported in the literature. This variant is reported in 0.0040% of alleles in individuals of African descent in gnomAD. At this time, the clinical significance of this variant is uncertain due to the absence of conclusive functional and genetic evidence.

GeneDx
Classification: Uncertain significance. Last evaluated: 2025-08-01. Review status: criteria provided, single submitter. Criteria: GeneDx Variant Classification Process June 2021. Collection method: clinical testing. Allele origin: germline. Affected: yes.
Comment: In silico analysis supports that this missense variant has a deleterious effect on protein structure/function; Has not been previously published as pathogenic or benign to our knowledge; This variant is associated with the following publications: (PMID: 26522332)

Labcorp Genetics (formerly Invitae), Labcorp
Classification: Uncertain significance for Charcot-Marie-Tooth disease type 2B. Last evaluated: 2025-07-09. Review status: criteria provided, single submitter. Criteria: Invitae Variant Classification Sherloc (09022015). Collection method: clinical testing. Allele origin: germline.
Comment: This sequence change replaces leucine, which is neutral and non-polar, with proline, which is neutral and non-polar, at codon 56 of the RAB7A protein (p.Leu56Pro). This variant is present in population databases (rs775104487, gnomAD 0.004%). This variant has not been reported in the literature in individuals affected with RAB7A-related conditions. ClinVar contains an entry for this variant (Variation ID: 245880). An algorithm developed to predict the effect of missense changes on protein structure and function (PolyPhen-2) suggests that this variant is likely to be tolerated. In summary, the available evidence is currently insufficient to determine the role of this variant in disease. Therefore, it has been classified as a Variant of Uncertain Significance.

Ambry Genetics
Classification: Uncertain significance for Inborn genetic diseases. Last evaluated: 2021-02-18. Review status: criteria provided, single submitter. Criteria: Ambry Variant Classification Scheme 2023. Collection method: clinical testing. Allele origin: germline.
Comment: The p.L56P variant (also known as c.167T>C), located in coding exon 2 of the RAB7A gene, results from a T to C substitution at nucleotide position 167. The leucine at codon 56 is replaced by proline, an amino acid with similar properties. This amino acid position is highly conserved in available vertebrate species. In addition, the in silico prediction for this alteration is inconclusive. Since supporting evidence is limited at this time, the clinical significance of this alteration remains unclear.

NM_004637.6(RAB7A):c.167T>C (p.Leu56Pro)

Gene: RAB7A (RAB7A, member RAS oncogene family; plus strand). Cytogenetic location: 3q21.3.
Variant type: single nucleotide variant.
Coding change: c.167T>C on transcript NM_004637.6 (MANE Select); coding-DNA position 167, T replaced by C.
Protein change: p.Leu56Pro; replaces leucine 56 with proline.
Molecular consequence: missense variant.
Genome position (GRCh38, 1-based): chr3:128,798,056, T>C. VCF-style: chr3-128798056-T-C. GRCh37 (hg19) VCF-style: chr3-128516899-T-C.
Other names: short protein forms L56P.
Identifiers: ClinVar variation 245880 (VCV000245880.15), dbSNP rs775104487, ClinGen allele CA2600787.